The following is an entry in ClinVar:

ClinVar aggregate classification (germline): Conflicting classifications of pathogenicity. Review status: criteria provided, conflicting classifications (1 of 4 stars). 2 submissions from 2 submitters: Uncertain significance (1); Likely benign (1). Last evaluated 2025-05-17.

Conditions:
Hereditary cancer-predisposing syndrome. Also called: Hereditary neoplastic syndrome; Neoplastic Syndromes, Hereditary; Tumor predisposition; Hereditary Cancer Syndrome. Identifiers: Orphanet 140162, MedGen C0027672, MeSH D009386, MONDO:0015356.

Submissions (2):

Ambry Genetics
Classification: Uncertain significance for Hereditary cancer-predisposing syndrome. Last evaluated: 2025-05-17. Review status: criteria provided, single submitter. Criteria: Ambry Variant Classification Scheme 2023. Collection method: clinical testing. Allele origin: germline.
Comment: The p.C348R variant (also known as c.1042T>C), located in coding exon 9 of the BRCA1 gene, results from a T to C substitution at nucleotide position 1042. The cysteine at codon 348 is replaced by arginine, an amino acid with highly dissimilar properties. This amino acid position is poorly conserved in available vertebrate species. In addition, the in silico prediction for this alteration is inconclusive. Since supporting evidence is limited at this time, the clinical significance of this alteration remains unclear.

University of Washington Department of Laboratory Medicine, University of Washington
Classification: Likely benign for Hereditary cancer-predisposing syndrome. Last evaluated: 2023-03-23. Review status: criteria provided, single submitter. Criteria: Dines et al. (Genet Med. 2020). Collection method: curation. Allele origin: germline.
Comment: Missense variant in a coldspot region where missense variants are very unlikely to be pathogenic (PMID:31911673).

BRCA1 coldspot (exon 11 using historical exon numbering). Reclassification based on statistical prior probability

NM_007294.4(BRCA1):c.1042T>C (p.Cys348Arg)

Gene: BRCA1 (BRCA1 DNA repair associated; minus strand). Cytogenetic location: 17q21.31.
Variant type: single nucleotide variant.
Coding change: c.1042T>C on transcript NM_007294.4 (MANE Select); coding-DNA position 1042, T replaced by C.
Protein change: p.Cys348Arg; replaces cysteine 348 with arginine.
Molecular consequence: missense variant. On other transcripts: intron variant (137).
Genome position (GRCh38, 1-based): chr17:43,094,489, A>G on the plus strand (T>C on the coding strand, the complement: BRCA1 is on the minus strand). VCF-style: chr17-43094489-A-G. GRCh37 (hg19) VCF-style: chr17-41246506-A-G.
Other names: c.1039T>C, p.Cys347Arg (NM_001407636.1, NM_001407637.1, NM_001407638.1 and 22 more transcripts); c.1042T>C, p.Cys348Arg (NM_001407639.1, NM_001407640.1, NM_001407641.1 and 30 more transcripts); c.1033T>C, p.Cys345Arg (NM_001407646.1, NM_001407647.1); c.919T>C, p.Cys307Arg (NM_001407648.1, NM_001407664.1, NM_001407665.1 and 19 more transcripts); c.916T>C, p.Cys306Arg (NM_001407649.1, NM_001407670.1, NM_001407671.1 and 11 more transcripts); c.964T>C, p.Cys322Arg (NM_001407653.1, NM_001407654.1, NM_001407655.1 and 4 more transcripts); c.961T>C, p.Cys321Arg (NM_001407659.1, NM_001407660.1, NM_001407661.1 and 1 more transcripts); c.901T>C, p.Cys301Arg (NM_001407692.1, NM_001407694.1, NM_001407695.1 and 29 more transcripts); and 40 more; short protein forms C348R, C301R, C277R, C278R, C280R, C300R, C52R, C281R.
Identifiers: ClinVar variation 185101 (VCV000185101.9), dbSNP rs786201928, ClinGen allele CA000700.